The following is an entry in ClinVar:

ClinVar aggregate classification (germline): Uncertain significance (1 of 4 stars; one submission).

Allele frequency attached by ClinVar (database versions not stated): ExAC 0.00002; gnomAD 0.00002; gnomAD exomes 0.00001.
gnomAD v4.1: 23 of 1,614,034 alleles (0.0014%); highest among the groups gnomAD compares: Non-Finnish European, 0.0018%; no homozygotes.

Submission:

Labcorp Genetics (formerly Invitae), Labcorp
Classification: Uncertain significance. Last evaluated: 2022-08-09. Review status: criteria provided, single submitter. Criteria: Invitae Variant Classification Sherloc (09022015). Collection method: clinical testing. Allele origin: germline.
Comment: In summary, the available evidence is currently insufficient to determine the role of this variant in disease. Therefore, it has been classified as a Variant of Uncertain Significance. Algorithms developed to predict the effect of missense changes on protein structure and function are either unavailable or do not agree on the potential impact of this missense change (SIFT: "Deleterious"; PolyPhen-2: "Benign"; Align-GVGD: "Class C0"). This variant has not been reported in the literature in individuals affected with CACNA2D4-related conditions. This variant is present in population databases (rs776952363, gnomAD 0.004%). This sequence change replaces glycine, which is neutral and non-polar, with serine, which is neutral and polar, at codon 178 of the CACNA2D4 protein (p.Gly178Ser).

NM_172364.5(CACNA2D4):c.532G>A (p.Gly178Ser)

Gene: CACNA2D4 (calcium voltage-gated channel auxiliary subunit alpha2delta 4; minus strand). Cytogenetic location: 12p13.33.
Variant type: single nucleotide variant.
Coding change: c.532G>A on transcript NM_172364.5 (MANE Select); coding-DNA position 532, G replaced by A.
Protein change: p.Gly178Ser; replaces glycine 178 with serine.
Molecular consequence: missense variant.
Genome position (GRCh38, 1-based): chr12:1,907,992, C>T on the plus strand (G>A on the coding strand, the complement: CACNA2D4 is on the minus strand). VCF-style: chr12-1907992-C-T. GRCh37 (hg19) VCF-style: chr12-2017158-C-T.
Other names: short protein forms G178S.
Identifiers: ClinVar variation 2046293 (VCV002046293.4), dbSNP rs776952363, ClinGen allele CA6387486.